The following is an entry in ClinVar:

ClinVar aggregate classification (germline): Uncertain significance. Review status: criteria provided, multiple submitters, no conflicts (2 of 4 stars). 2 submissions from 2 submitters: Uncertain significance (2). Last evaluated 2025-11-12.

Conditions:
Charcot-Marie-Tooth disease axonal type 2Z. Also called: CHARCOT-MARIE-TOOTH DISEASE, AXONAL, AUTOSOMAL DOMINANT, TYPE 2Z; CHARCOT-MARIE-TOOTH NEUROPATHY, TYPE 2Z. Identifiers: Orphanet 466768, MedGen C5569025, MONDO:0014736, OMIM 616688.

Allele frequency attached by ClinVar (database versions not stated): gnomAD 0.00002 and 0.00003; gnomAD exomes 0.00002; ExAC 0.00003; TOPMed 0.00003; ESP Exome Variant Server 0.00008.
gnomAD v4.1: 28 of 1,613,960 alleles (0.0017%); highest among the groups gnomAD compares: Admixed American, 0.005%; no homozygotes.

Submissions (2):

Mayo Clinic Laboratories, Mayo Clinic
Classification: Uncertain significance. Last evaluated: 2025-11-12. Review status: criteria provided, single submitter. Criteria: ACMG Guidelines, 2015. Collection method: clinical testing. Allele origin: germline. Observed: 1 variant allele.
Comment: BS2

Labcorp Genetics (formerly Invitae), Labcorp
Classification: Uncertain significance for Charcot-Marie-Tooth disease axonal type 2Z. Last evaluated: 2025-06-06. Review status: criteria provided, single submitter. Criteria: Invitae Variant Classification Sherloc (09022015). Collection method: clinical testing. Allele origin: germline.
Comment: This sequence change replaces arginine, which is basic and polar, with cysteine, which is neutral and slightly polar, at codon 343 of the MORC2 protein (p.Arg343Cys). This variant is present in population databases (rs368475981, gnomAD 0.006%). This variant has not been reported in the literature in individuals affected with MORC2-related conditions. ClinVar contains an entry for this variant (Variation ID: 1024960). Invitae Evidence Modeling of protein sequence and biophysical properties (such as structural, functional, and spatial information, amino acid conservation, physicochemical variation, residue mobility, and thermodynamic stability) indicates that this missense variant is expected to disrupt MORC2 protein function with a positive predictive value of 95%. In summary, the available evidence is currently insufficient to determine the role of this variant in disease. Therefore, it has been classified as a Variant of Uncertain Significance.

NM_001303256.3(MORC2):c.1027C>T (p.Arg343Cys)

Gene: MORC2 (MORC family CW-type zinc finger 2; minus strand). Cytogenetic location: 22q12.2.
Variant type: single nucleotide variant.
Coding change: c.1027C>T on transcript NM_001303256.3 (MANE Select); coding-DNA position 1027, C replaced by T.
Protein change: p.Arg343Cys; replaces arginine 343 with cysteine.
Molecular consequence: missense variant.
Genome position (GRCh38, 1-based): chr22:30,939,667, G>A on the plus strand (C>T on the coding strand, the complement: MORC2 is on the minus strand). VCF-style: chr22-30939667-G-A. GRCh37 (hg19) VCF-style: chr22-31335654-G-A.
Other names: p.Arg343Cys; c.1027C>T, p.Arg343Cys (NM_001303257.2); c.841C>T, p.Arg281Cys (NM_014941.3); short protein forms R281C, R343C.
Identifiers: ClinVar variation 1024960 (VCV001024960.10), dbSNP rs368475981, ClinGen allele CA10187056.